The following is an entry in ClinVar:

NM_002303.6(LEPR):c.354A>G (p.Leu118=)

Gene: LEPR (leptin receptor; plus strand). Cytogenetic location: 1p31.3.
Variant type: single nucleotide variant.
Coding change: c.354A>G on transcript NM_002303.6 (MANE Select); coding-DNA position 354, A replaced by G.
Protein change: p.Leu118=; no amino-acid change (leucine 118 retained).
Molecular consequence: synonymous variant.
Genome position (GRCh38, 1-based): chr1:65,570,786, A>G. VCF-style: chr1-65570786-A-G. GRCh37 (hg19) VCF-style: chr1-66036469-A-G.
Other names: c.354A>G, p.Leu118= (NM_001003679.3, NM_001003680.3, NM_001198687.2 and 2 more transcripts).
Identifiers: ClinVar variation 3030931 (VCV003030931.2), dbSNP rs1557669567, ClinGen allele CA418436102.

ClinVar aggregate classification (germline): Likely benign (0 of 4 stars; one submission).

Conditions:
LEPR-related disorder. Also called: LEPR-related condition; LEPR-related disorders.

Allele frequency attached by ClinVar (database versions not stated): TOPMed below 0.00001; gnomAD 0.00001.

Submission:

PreventionGenetics, part of Exact Sciences
Classification: Likely benign for LEPR-related condition. Last evaluated: 2021-01-06. Review status: no assertion criteria provided. Collection method: clinical testing. Allele origin: germline.
Comment: This variant is classified as likely benign based on ACMG/AMP sequence variant interpretation guidelines (Richards et al. 2015 PMID: 25741868, with internal and published modifications).